The following is an entry in ClinVar:

ClinVar aggregate classification (germline): Conflicting classifications of pathogenicity. Review status: criteria provided, conflicting classifications (1 of 4 stars). 5 submissions from 5 submitters: Uncertain significance (4); Likely benign (1). Last evaluated 2024-12-27.

Conditions:
Autosomal recessive ataxia, Beauce type. Also called: Spinocerebellar ataxia, autosomal recessive 8; ATAXIA, RECESSIVE, OF BEAUCE; SYNE1-Related Autosomal Recessive Cerebellar Ataxia; SYNE1 Deficiency. Identifiers: Orphanet 88644, MedGen C1853116, MONDO:0012549, OMIM 610743.
Emery-Dreifuss muscular dystrophy 4, autosomal dominant (EDMD4). Also called: EMERY-DREIFUSS MUSCULAR DYSTROPHY 4 WITH VARIABLE FEATURES. Identifiers: Orphanet 261, MedGen C2751807, MONDO:0013071, OMIM 612998.

Allele frequency attached by ClinVar (database versions not stated): gnomAD exomes 0.00012; ExAC 0.00015; 1000 Genomes Project 30x 0.00016; 1000 Genomes Project 0.00020; gnomAD 0.00033 and 0.00038; TOPMed 0.00043; ESP Exome Variant Server 0.00062.
gnomAD v4.1: 113 of 1,614,038 alleles (0.007%); highest among the groups gnomAD compares: African/African-American, 0.12%; no homozygotes.

Submissions (5):

Athena Diagnostics
Classification: Likely benign. Last evaluated: 2024-12-27. Review status: criteria provided, single submitter. Criteria: Athena Diagnostics Criteria. Collection method: clinical testing. Allele origin: unknown.
Comment: The frequency of this variant in the general population is higher than would generally be expected for pathogenic variants in this gene.

Labcorp Genetics (formerly Invitae), Labcorp
Classification: Uncertain significance for Emery-Dreifuss muscular dystrophy 4, autosomal dominant; Autosomal recessive ataxia, Beauce type. Last evaluated: 2024-12-09. Review status: criteria provided, single submitter. Criteria: Invitae Variant Classification Sherloc (09022015). Collection method: clinical testing. Allele origin: germline.
Comment: This sequence change replaces glycine, which is neutral and non-polar, with cysteine, which is neutral and slightly polar, at codon 4060 of the SYNE1 protein (p.Gly4060Cys). This variant is present in population databases (rs139139296, gnomAD 0.2%). This variant has not been reported in the literature in individuals affected with SYNE1-related conditions. ClinVar contains an entry for this variant (Variation ID: 281664). An algorithm developed to predict the effect of missense changes on protein structure and function (PolyPhen-2) suggests that this variant is likely to be disruptive. In summary, the available evidence is currently insufficient to determine the role of this variant in disease. Therefore, it has been classified as a Variant of Uncertain Significance.

GeneDx
Classification: Uncertain significance. Last evaluated: 2023-08-07. Review status: criteria provided, single submitter. Criteria: GeneDx Variant Classification Process June 2021. Collection method: clinical testing. Allele origin: germline. Affected: yes.
Comment: In silico analysis supports that this missense variant has a deleterious effect on protein structure/function; Has not been previously published as pathogenic or benign to our knowledge

Revvity Omics, Revvity
Classification: Uncertain significance. Last evaluated: 2019-04-24. Review status: criteria provided, single submitter. Criteria: ACMG Guidelines, 2015. Collection method: clinical testing. Allele origin: germline.

Eurofins Ntd Llc (ga)
Classification: Uncertain significance. Last evaluated: 2016-07-27. Review status: criteria provided, single submitter. Criteria: EGL Classification Definitions 2015. Collection method: clinical testing. Allele origin: germline. Observed: 3 variant alleles, 3 heterozygotes.

NM_182961.4(SYNE1):c.12391G>T (p.Gly4131Cys)

Gene: SYNE1 (spectrin repeat containing nuclear envelope protein 1; minus strand). Cytogenetic location: 6q25.2.
Variant type: single nucleotide variant.
Coding change: c.12391G>T on transcript NM_182961.4 (MANE Select); coding-DNA position 12391, G replaced by T.
Protein change: p.Gly4131Cys; replaces glycine 4131 with cysteine.
Molecular consequence: missense variant.
Genome position (GRCh38, 1-based): chr6:152,336,978, C>A on the plus strand (G>T on the coding strand, the complement: SYNE1 is on the minus strand). VCF-style: chr6-152336978-C-A. GRCh37 (hg19) VCF-style: chr6-152658113-C-A.
Other names: c.12178G>T, p.Gly4060Cys (NM_033071.5); short protein forms G4060C, G4131C.
Identifiers: ClinVar variation 281664 (VCV000281664.20), dbSNP rs139139296, ClinGen allele CA4056402.
Genomic context (GRCh38, chr6:152,336,978, plus strand): 5'-GATCAGCATCTTGCAGGTAAATCCAGAGCTCAGACTTCAGGTGCTTGATCTCTTCCCAGC[C>A]CTGAGTTAAGTTCTGGGCCTGGACAAGCTTTTGTTCAATCTTGAGAAAACACAGAGATAA-3'
Protein context (NP_892006.3, residues 4121-4141): KLVQAQNLTQ[Gly4131Cys]WEEIKHLKSE